The following is an entry in ClinVar:

NM_001014437.3(CARS1):c.1788C>T (p.Thr596=)

Gene: CARS1 (cysteinyl-tRNA synthetase 1; minus strand). Cytogenetic location: 11p15.4.
Variant type: single nucleotide variant.
Coding change: c.1788C>T on transcript NM_001014437.3 (MANE Select); coding-DNA position 1788, C replaced by T.
Protein change: p.Thr596=; no amino-acid change (threonine 596 retained).
Molecular consequence: synonymous variant. On other transcripts: non-coding transcript variant (4).
Genome position (GRCh38, 1-based): chr11:3,017,235, G>A on the plus strand (C>T on the coding strand, the complement: CARS1 is on the minus strand). VCF-style: chr11-3017235-G-A. GRCh37 (hg19) VCF-style: chr11-3038465-G-A.
Other names: c.1788C>T, p.Thr596= (NM_001194997.2); c.1578C>T, p.Thr526= (NM_001378136.1); c.1509C>T, p.Thr503= (NM_001378137.1, NM_001378138.1, NM_001378139.1); c.1263C>T, p.Thr421= (NM_001378140.1); c.1539C>T, p.Thr513= (NM_001751.6, NM_139273.4).
Identifiers: ClinVar variation 2641511 (VCV002641511.24), dbSNP rs35817164, ClinGen allele CA5823877.

ClinVar aggregate classification (germline): Likely benign (1 of 4 stars; one submission).

Allele frequency attached by ClinVar (database versions not stated): gnomAD exomes 0.00039; ExAC 0.00110; 1000 Genomes Project 30x 0.00328; 1000 Genomes Project 0.00339; gnomAD 0.00354; TOPMed 0.00397; ESP Exome Variant Server 0.00438.
gnomAD v4.1: 1,189 of 1,614,106 alleles (0.074%); highest among the groups gnomAD compares: African/African-American, 1.3%; 9 homozygotes.

Submission:

CeGaT Center for Human Genetics Tuebingen
Classification: Likely benign. Last evaluated: 2026-09-01. Review status: criteria provided, single submitter. Criteria: CeGaT Center For Human Genetics Tuebingen Variant Classification Criteria Version 2. Collection method: clinical testing. Allele origin: germline. Affected: yes. Observed: 6 variant alleles.
Comment: CARS1: BP4, BP7, BS1